The following is an entry in ClinVar:

ClinVar aggregate classification (germline): Benign. Review status: criteria provided, multiple submitters, no conflicts (2 of 4 stars). 2 submissions from 2 submitters: Benign (2). Last evaluated 2018-06-14.

Allele frequency attached by ClinVar (database versions not stated): gnomAD exomes 0.17978; gnomAD 0.19740 and 0.19959; TOPMed 0.20682; ExAC 0.22381; 1000 Genomes Project 0.28894; 1000 Genomes Project 30x 0.28935.
gnomAD v4.1: 107,028 of 665,916 alleles (16%); highest among the groups gnomAD compares: East Asian, 45%; 12,258 homozygotes.

Submissions (2):

GeneDx
Classification: Benign. Last evaluated: 2018-06-14. Review status: criteria provided, single submitter. Criteria: GeneDx Variant Classification (06012015). Collection method: clinical testing. Allele origin: germline. Affected: yes.
Comment: This variant is considered likely benign or benign based on one or more of the following criteria: it is a conservative change, it occurs at a poorly conserved position in the protein, it is predicted to be benign by multiple in silico algorithms, and/or has population frequency not consistent with disease.

Breakthrough Genomics
Classification: Benign. Review status: criteria provided, single submitter. Criteria: ACMG Guidelines, 2015. Collection method: not provided. Allele origin: germline. Inheritance: Autosomal dominant inheritance. Affected: yes.

NM_001130438.3(SPTAN1):c.6707+251C>A

Gene: SPTAN1 (spectrin alpha, non-erythrocytic 1; plus strand). Cytogenetic location: 9q34.11.
Variant type: single nucleotide variant.
Coding change: c.6707+251C>A on transcript NM_001130438.3 (MANE Select); 251 bases into the intron after coding-DNA position 6707, C replaced by A.
Molecular consequence: intron variant.
Genome position (GRCh38, 1-based): chr9:128,628,193, C>A. VCF-style: chr9-128628193-C-A. GRCh37 (hg19) VCF-style: chr9-131390472-C-A.
Other names: c.6707+251C>A (NM_001363759.2); c.6692+251C>A (NM_003127.4); c.6647+251C>A (NM_001363765.2); c.6632+251C>A (NM_001195532.2).
Identifiers: ClinVar variation 680792 (VCV000680792.2), dbSNP rs7857728, ClinGen allele CA5265851.
Genomic context (GRCh38, chr9:128,628,193, plus strand): 5'-CCGATAGAGCCTTCAAGCCAGGGGGAGCCGTCCTTGCCTCACTGGGCGATTCCAAGGGCT[C>A]ACTTTGGGTAGGGAAGGTGATGAAGCACGAAGGCCAGAGCTGGAGTCCAGAGGCCCTAAG-3'